The following is an entry in ClinVar:

ClinVar aggregate classification (germline): Conflicting classifications of pathogenicity. Review status: criteria provided, conflicting classifications (1 of 4 stars). 13 submissions from 13 submitters: Uncertain significance (1); Benign (2); Likely benign (6). 4 of the submissions do not count toward it. Last evaluated 2026-02-02.

Conditions:
Bardet-Biedl syndrome (BBS). Identifiers: Orphanet 110, MedGen C0752166, MONDO:0015229.
Bardet-Biedl syndrome 1 (BBS1). Identifiers: MedGen C2936862, MONDO:0008854, OMIM 209900. Disease mechanism: loss of function.
Bardet-Biedl syndrome 2 (BBS2). Identifiers: Orphanet 110, MedGen C2936863, MONDO:0014432, OMIM 615981.

Allele frequency attached by ClinVar (database versions not stated): 1000 Genomes Project 30x 0.00047; 1000 Genomes Project 0.00060; gnomAD exomes 0.00221 and 0.00351; ExAC 0.00227; TOPMed 0.00233; gnomAD 0.00243 and 0.00250; ESP Exome Variant Server 0.00269.

Submissions (13):

Labcorp Genetics (formerly Invitae), Labcorp
Classification: Benign for Bardet-Biedl syndrome. Last evaluated: 2026-02-02. Review status: criteria provided, single submitter. Criteria: Invitae Variant Classification Sherloc (09022015). Collection method: clinical testing. Allele origin: germline.

CeGaT Center for Human Genetics Tuebingen
Classification: Likely benign. Last evaluated: 2025-11-01. Review status: criteria provided, single submitter. Criteria: CeGaT Center For Human Genetics Tuebingen Variant Classification Criteria Version 2. Collection method: clinical testing. Allele origin: germline. Affected: yes. Observed: 5 variant alleles.
Comment: BBS2: BP4, BS2

Blueprint Genetics
Classification: Likely benign. Last evaluated: 2024-11-21. Review status: criteria provided, single submitter. Criteria: ACMG Guidelines, 2015. Collection method: clinical testing. Allele origin: germline.

Pars Genome Lab
Classification: Likely benign for Bardet-Biedl syndrome 2. Last evaluated: 2021-05-18. Review status: criteria provided, single submitter. Criteria: ACMG Guidelines, 2015. Collection method: clinical testing. Allele origin: germline. Affected: no.

Illumina Laboratory Services, Illumina
Classification: Uncertain significance for Bardet-Biedl syndrome 2. Last evaluated: 2018-01-13. Review status: criteria provided, single submitter. Criteria: ICSL Variant Classification Criteria 13 December 2019. Collection method: clinical testing. Allele origin: germline.

Clinical Genetics DNA and cytogenetics Diagnostics Lab, Erasmus MC, Erasmus Medical Center
Classification: Likely benign for Bardet-Biedl syndrome 1. Last evaluated: 2017-06-28. Review status: criteria provided, single submitter. Criteria: ACGS Guidelines, 2013. Collection method: clinical testing. Allele origin: germline. Affected: yes. Study: VKGL Data-share Consensus.

Genetic Services Laboratory, University of Chicago
Classification: Likely benign. Last evaluated: 2017-03-28. Review status: criteria provided, single submitter. Criteria: ACMG Guidelines, 2015. Collection method: clinical testing. Allele origin: germline. Affected: no.

Eurofins Ntd Llc (ga)
Classification: Benign. Last evaluated: 2015-02-12. Review status: criteria provided, single submitter. Criteria: EGL Classification Definitions 2015. Collection method: clinical testing. Allele origin: germline. Observed: 1 variant allele, 1 heterozygote.

PreventionGenetics, part of Exact Sciences
Classification: Likely benign. Review status: criteria provided, single submitter. Criteria: ACMG Guidelines, 2015. Collection method: clinical testing. Allele origin: germline.

Natera, Inc.
Classification: Benign for Bardet-Biedl syndrome type 2. Last evaluated: 2020-09-16. Review status: no assertion criteria provided. Collection method: clinical testing. Allele origin: germline. Not counted in ClinVar's aggregate classification.

Genome Diagnostics Laboratory, Amsterdam University Medical Center
Classification: Benign for Bardet-Biedl syndrome 1. Last evaluated: 2017-04-19. Review status: no assertion criteria provided. Criteria: ACGS Guidelines, 2013. Collection method: clinical testing. Allele origin: germline. Affected: yes. Study: VKGL Data-share Consensus. Not counted in ClinVar's aggregate classification.

Clinical Genetics, Academic Medical Center
Classification: Benign. Review status: no assertion criteria provided. Collection method: clinical testing. Allele origin: germline. Affected: yes. Study: VKGL Data-share Consensus. Not counted in ClinVar's aggregate classification.

Genome Diagnostics Laboratory, University Medical Center Utrecht
Classification: Benign. Review status: no assertion criteria provided. Collection method: clinical testing. Allele origin: germline. Affected: yes. Study: VKGL Data-share Consensus. Not counted in ClinVar's aggregate classification.

NM_031885.5(BBS2):c.1422G>A (p.Ser474=)

Gene: BBS2 (Bardet-Biedl syndrome 2; minus strand). Cytogenetic location: 16q13.
Variant type: single nucleotide variant.
Coding change: c.1422G>A on transcript NM_031885.5 (MANE Select); coding-DNA position 1422, G replaced by A.
Protein change: p.Ser474=; no amino-acid change (serine 474 retained).
Molecular consequence: synonymous variant. On other transcripts: non-coding transcript variant (5).
Genome position (GRCh38, 1-based): chr16:56,499,883, C>T on the plus strand (G>A on the coding strand, the complement: BBS2 is on the minus strand). VCF-style: chr16-56499883-C-T. GRCh37 (hg19) VCF-style: chr16-56533795-C-T.
Other names: c.1422G>A, p.Ser474= (NM_001377456.1).
Identifiers: ClinVar variation 194124 (VCV000194124.54), dbSNP rs117033008, ClinGen allele CA200970.